The following is an entry in ClinVar:

NM_181882.3(PRX):c.3392C>A (p.Ala1131Asp)

Gene: PRX (periaxin; minus strand). Cytogenetic location: 19q13.2.
Variant type: single nucleotide variant.
Coding change: c.3392C>A on transcript NM_181882.3 (MANE Select); coding-DNA position 3392, C replaced by A.
Protein change: p.Ala1131Asp; replaces alanine 1131 with aspartic acid.
Molecular consequence: missense variant. On other transcripts: 3 prime UTR variant (1).
Genome position (GRCh38, 1-based): chr19:40,394,960, G>T on the plus strand (C>A on the coding strand, the complement: PRX is on the minus strand). VCF-style: chr19-40394960-G-T. GRCh37 (hg19) VCF-style: chr19-40900867-G-T.
Other names: c.*3597C>A (NM_020956.2); short protein forms A1131D.
Identifiers: ClinVar variation 841612 (VCV000841612.8), dbSNP rs750801377, ClinGen allele CA9443867.
Genomic context (GRCh38, chr19:40,394,960, plus strand): 5'-GAGATGCCCAGCGGAGGCATCCTCAGCCCCGCGTCATGGCCCTCAGTGACCACCTGCCCG[G>T]CTGTGGACACCTTCAGGCCTGACAGCTGCATTCCACTGACGGCCACAGCCCCCTCTGCCC-3'
Protein context (NP_870998.2, residues 1121-1141): MQLSGLKVST[Ala1131Asp]GQVVTEGHDA

ClinVar aggregate classification (germline): Uncertain significance (1 of 4 stars; one submission).

Conditions:
Charcot-Marie-Tooth disease type 4. Also called: Charcot-Marie-Tooth, Type 4; Charcot-Marie-Tooth disease, type IV. Identifiers: Orphanet 64749, MedGen C4082197, MONDO:0018995.

Allele frequency attached by ClinVar (database versions not stated): gnomAD 0.00001; ExAC 0.00002; gnomAD exomes 0.00002 and 0.00003; TOPMed 0.00002.

Submission:

Labcorp Genetics (formerly Invitae), Labcorp
Classification: Uncertain significance for Charcot-Marie-Tooth disease type 4. Last evaluated: 2022-08-21. Review status: criteria provided, single submitter. Criteria: Invitae Variant Classification Sherloc (09022015). Collection method: clinical testing. Allele origin: germline.
Comment: This sequence change replaces alanine, which is neutral and non-polar, with aspartic acid, which is acidic and polar, at codon 1131 of the PRX protein (p.Ala1131Asp). The frequency data for this variant in the population databases is considered unreliable, as metrics indicate poor data quality at this position in the gnomAD database. This variant has not been reported in the literature in individuals affected with PRX-related conditions. ClinVar contains an entry for this variant (Variation ID: 841612). Algorithms developed to predict the effect of missense changes on protein structure and function are either unavailable or do not agree on the potential impact of this missense change (SIFT: "Tolerated"; PolyPhen-2: "Possibly Damaging"; Align-GVGD: "Class C0"). In summary, the available evidence is currently insufficient to determine the role of this variant in disease. Therefore, it has been classified as a Variant of Uncertain Significance.